The following is an entry in ClinVar:

NM_001081.4(CUBN):c.1342G>A (p.Val448Ile)

Genes: CUBN (cubilin; minus strand), LOC129390143 (MPRA-validated peak884 silencer; plus strand). Cytogenetic location: 10p13.
Variant type: single nucleotide variant.
Coding change: c.1342G>A on transcript NM_001081.4 (MANE Select); coding-DNA position 1342, G replaced by A.
Protein change: p.Val448Ile; replaces valine 448 with isoleucine.
Molecular consequence: missense variant.
Genome position (GRCh38, 1-based): chr10:17,104,494, C>T on the plus strand (G>A on the coding strand, the complement: CUBN is on the minus strand). VCF-style: chr10-17104494-C-T. GRCh37 (hg19) VCF-style: chr10-17146493-C-T.
Other names: short protein forms V448I.
Identifiers: ClinVar variation 1376879 (VCV001376879.6), dbSNP rs2131301048, ClinGen allele CA376161479.
Genomic context (GRCh38, chr10:17,104,494, plus strand): 5'-GACAGAGAGCTCCAGTCCAGAGACGTGTGCATTCACAACTGAAAGAATCAACGCCATCAA[C>T]ACAAGTTCCTCCATTCAAACAGGGGTTGCTCAAACACTCATTGATGTTTTCTGTACAGTT-3'
Protein context (NP_001072.2, residues 438-458): SNPCLNGGTC[Val448Ile]DGVDSFSCEC

ClinVar aggregate classification (germline): Uncertain significance (1 of 4 stars; one submission).

Conditions:
Imerslund-Grasbeck syndrome. Also called: ENTEROCYTE COBALAMIN MALABSORPTION; ENTEROCYTE INTRINSIC FACTOR RECEPTOR, DEFECT OF; PERNICIOUS ANEMIA, JUVENILE, DUE TO SELECTIVE INTESTINAL MALABSORPTION OF VITAMIN B12, WITH PROTEINURIA; Megaloblastic anemia due to inborn errors of metabolism; Imerslund-Gräsbeck syndrome. Identifiers: Orphanet 35858, MedGen C4551825, MONDO:0009853.

Allele frequency attached by ClinVar (database versions not stated): gnomAD exomes below 0.00001.
gnomAD v4.1: 1 of 1,614,016 alleles (0.000062%); highest among the groups gnomAD compares: Non-Finnish European, 0.000085%; no homozygotes.

Submission:

Labcorp Genetics (formerly Invitae), Labcorp
Classification: Uncertain significance for Imerslund-Grasbeck syndrome. Last evaluated: 2022-09-19. Review status: criteria provided, single submitter. Criteria: Invitae Variant Classification Sherloc (09022015). Collection method: clinical testing. Allele origin: germline.
Comment: ClinVar contains an entry for this variant (Variation ID: 1376879). Advanced modeling of protein sequence and biophysical properties (such as structural, functional, and spatial information, amino acid conservation, physicochemical variation, residue mobility, and thermodynamic stability) performed at Invitae indicates that this missense variant is not expected to disrupt CUBN protein function. In summary, the available evidence is currently insufficient to determine the role of this variant in disease. Therefore, it has been classified as a Variant of Uncertain Significance. This sequence change replaces valine, which is neutral and non-polar, with isoleucine, which is neutral and non-polar, at codon 448 of the CUBN protein (p.Val448Ile). This variant is not present in population databases (gnomAD no frequency). This variant has not been reported in the literature in individuals affected with CUBN-related conditions.